The following is an entry in ClinVar:

ClinVar aggregate classification (germline): Conflicting classifications of pathogenicity. Review status: criteria provided, conflicting classifications (1 of 4 stars). 3 submissions from 3 submitters: Likely pathogenic (2); Uncertain significance (1). Last evaluated 2026-01-15.

Conditions:
Gaucher disease. Also called: Acute cerebral Gaucher disease; Cerebroside lipidosis syndrome; Gaucher splenomegaly; Sphingolipidosis 1; Glucocerebrosidosis; Glucosylceramidase deficiency. Identifiers: Orphanet 355, MedGen C0017205, MONDO:0018150.

Allele frequency attached by ClinVar (database versions not stated): gnomAD 0.00001; TOPMed 0.00001.
gnomAD v4.1: 20 of 1,614,082 alleles (0.0012%); highest among the groups gnomAD compares: Non-Finnish European, 0.0017%; no homozygotes.

Submissions (3):

Natera, Inc.
Classification: Likely pathogenic for Gaucher disease. Last evaluated: 2026-01-15. Review status: criteria provided, single submitter. Criteria: Natera Variant Classification Schema (03/2026). Collection method: clinical testing. Allele origin: germline.
Comment: The c.431T>G variant in GBA1 is a missense variant predicted to cause substitution of leucine to arginine at amino acid 144. This variant is rare in the general population with a frequency below the threshold expected for the associated phenotype(s). This variant has been observed in one or more individuals affected with the associated recessive disease, as either homozygous or compound heterozygous with a second variant (PMID: 12000368, 37926171, 39189706). Computational prediction algorithms indicate this variant is likely to affect gene or protein function. Given the available evidence, this variant is classified as Likely Pathogenic.

Broad Center for Mendelian Genomics, Broad Institute of MIT and Harvard
Classification: Uncertain significance for Gaucher disease. Last evaluated: 2020-01-13. Review status: criteria provided, single submitter. Criteria: ACMG Guidelines, 2015. Collection method: curation. Allele origin: germline. Inheritance: Autosomal recessive inheritance.
Comment: Computational prediction tools and conservation analyses suggest that this variant may impact the protein, though this information is not predictive enough to determine pathogenicity. The phenotype of an individual compound heterozygous for this variant is highly specific for Gaucher disease based on null glucocerebrosidase consistent with disease (PMID: 12000368). The presence of this variant in combination with a reported pathogenic variant and in an individual with Gaucher disease increases the likelihood that the p.Leu144Arg variant is pathogenic (VariationID: 4290; PMID: 12000368). In summary, while there is some suspicion for a pathogenic role, the clinical significance of this variant is uncertain. ACMG/AMP Criteria applied: PM2, PP3, PM3_supporting, PP4 (Richards 2015).

Eurofins Ntd Llc (ga)
Classification: Likely pathogenic. Last evaluated: 2014-09-23. Review status: criteria provided, single submitter. Criteria: EGL Classification Definitions 2015. Collection method: clinical testing. Allele origin: germline. Observed: 3 variant alleles, 3 heterozygotes.

Literature cited by the submitters: PubMed 12000368 (cited by Natera, Inc. and Broad Center for Mendelian Genomics, Broad Institute of MIT and Harvard); PubMed 37926171 (cited by Natera, Inc.); PubMed 39189706 (cited by Natera, Inc.).

NM_000157.4(GBA1):c.431T>G (p.Leu144Arg)

Genes: GBA1 (glucosylceramidase beta 1; minus strand), LOC106627981 (GBA recombination region; plus strand). Cytogenetic location: 1q22.
Variant type: single nucleotide variant.
Coding change: c.431T>G on transcript NM_000157.4 (MANE Select); coding-DNA position 431, T replaced by G.
Protein change: p.Leu144Arg; replaces leucine 144 with arginine.
Molecular consequence: missense variant. On other transcripts: intron variant (1).
Genome position (GRCh38, 1-based): chr1:155,239,639, A>C on the plus strand (T>G on the coding strand, the complement: GBA1 is on the minus strand). VCF-style: chr1-155239639-A-C. GRCh37 (hg19) VCF-style: chr1-155209430-A-C.
Other names: c.431T>G, p.Leu144Arg (NM_001005741.3, NM_001005742.3); c.170T>G, p.Leu57Arg (NM_001171811.2); c.307+247T>G (NM_001171812.2); c.431T>G (NM_000157.3); short protein forms L144R, L57R.
Identifiers: ClinVar variation 197701 (VCV000197701.8), dbSNP rs794727708, ClinGen allele CA275304.